The following is an entry in ClinVar:

NM_001367949.2(FAT3):c.2655C>T (p.Ile885=)

Gene: FAT3 (FAT atypical cadherin 3; plus strand). Cytogenetic location: 11q14.3.
Variant type: single nucleotide variant.
Coding change: c.2655C>T on transcript NM_001367949.2 (MANE Select); coding-DNA position 2655, C replaced by T.
Protein change: p.Ile885=; no amino-acid change (isoleucine 885 retained).
Molecular consequence: synonymous variant.
Genome position (GRCh38, 1-based): chr11:92,354,767, C>T. VCF-style: chr11-92354767-C-T. GRCh37 (hg19) VCF-style: chr11-92087933-C-T.
Other names: c.2655C>T, p.Ile885= (NM_001008781.3, NM_001378141.1).
Identifiers: ClinVar variation 3041858 (VCV003041858.2), dbSNP rs184000863, ClinGen allele CA6226503.

ClinVar aggregate classification (germline): Likely benign (0 of 4 stars; one submission).

Conditions:
FAT3-related disorder. Also called: FAT3-related condition.

Allele frequency attached by ClinVar (database versions not stated): 1000 Genomes Project 0.00080; 1000 Genomes Project 30x 0.00094; ExAC 0.00111; TOPMed 0.00125; gnomAD 0.00134; gnomAD exomes 0.00151; ESP Exome Variant Server 0.00157.
gnomAD v4.1: 2,415 of 1,613,884 alleles (0.15%); highest among the groups gnomAD compares: Middle Eastern, 0.21%; no homozygotes.

Submission:

PreventionGenetics, part of Exact Sciences
Classification: Likely benign for FAT3-related condition. Last evaluated: 2019-03-06. Review status: no assertion criteria provided. Collection method: clinical testing. Allele origin: germline.
Comment: This variant is classified as likely benign based on ACMG/AMP sequence variant interpretation guidelines (Richards et al. 2015 PMID: 25741868, with internal and published modifications).